The following is an entry in ClinVar:

ClinVar aggregate classification (germline): Pathogenic (1 of 4 stars; one submission).

Conditions:
Glycogen storage disease, type II (IOPD). Also called: Pompe Disease; CARDIOMEGALIA GLYCOGENICA DIFFUSA; GLYCOGENOSIS, GENERALIZED, CARDIAC FORM; GSD II; POMPE DISEASE, INFANTILE-ONSET; GLYCOGEN STORAGE DISEASE II, INFANTILE-ONSET. Identifiers: Orphanet 365, MedGen C0017921, MONDO:0009290, OMIM 232300.

Submission:

Genomenon, Inc
Classification: Pathogenic for Glycogen storage disease, type II. Last evaluated: 2026-07-01. Review status: criteria provided, single submitter. Criteria: Genomenon Sequence Variant Interpretation Standards - Updated. Collection method: curation. Allele origin: germline. Affected: yes.
Comment: GAA c.2331+2T>G is a canonical splice variant affecting the donor splice site of intron 16. It is predicted to affect mRNA splicing, leading to a deleterious effect on the GAA protein. This variant has been observed in at least one proband with a GAA-related disorder (PMID:33996274;24011652). It is absent or not present at a significant frequency in gnomAD. In conclusion, we classify GAA c.2331+2T>G as a pathogenic variant.

Literature cited by the submitters: PubMed 33996274; PubMed 24011652.

NM_000152.5(GAA):c.2331+2T>G

Gene: GAA (alpha glucosidase; plus strand). Cytogenetic location: 17q25.3.
Variant type: single nucleotide variant.
Coding change: c.2331+2T>G on transcript NM_000152.5 (MANE Select); the canonical splice donor site of the intron after coding-DNA position 2331, T replaced by G.
Molecular consequence: splice donor variant.
Genome position (GRCh38, 1-based): chr17:80,117,111, T>G. VCF-style: chr17-80117111-T-G. GRCh37 (hg19) VCF-style: chr17-78090910-T-G.
Other names: c.2331+2T>G (NM_001406741.1, NM_001406742.1, NM_001079803.3 and 1 more transcripts).
Identifiers: ClinVar variation 4876384 (VCV004876384.1).